The following is an entry in ClinVar:

NM_003884.5(KAT2B):c.327T>C (p.Asn109=)

Gene: KAT2B (lysine acetyltransferase 2B; plus strand). Cytogenetic location: 3p24.3.
Variant type: single nucleotide variant.
Coding change: c.327T>C on transcript NM_003884.5 (MANE Select); coding-DNA position 327, T replaced by C.
Protein change: p.Asn109=; no amino-acid change (asparagine 109 retained).
Molecular consequence: synonymous variant.
Genome position (GRCh38, 1-based): chr3:20,072,356, T>C. VCF-style: chr3-20072356-T-C. GRCh37 (hg19) VCF-style: chr3-20113848-T-C.
Identifiers: ClinVar variation 3053952 (VCV003053952.2), dbSNP rs1323593442, ClinGen allele CA432679139.
Genomic context (GRCh38, chr3:20,072,356, plus strand): 5'-TTAAATAATTTTGTCTCTTTCTTTATTCCATTTTTAGGCCGAGGAGTCTTGTAAATGTAA[T>C]GGCTGGAAAAACCCTAACCCCTCACCCACTCCCCCCAGAGCCGACCTGCAGCAAATAATT-3'
Protein context (NP_003875.3, residues 99-119): ACKAEESCKC[Asn109=]GWKNPNPSPT

ClinVar aggregate classification (germline): Likely benign (0 of 4 stars; one submission).

Conditions:
KAT2B-related disorder. Also called: KAT2B-related condition.

Allele frequency attached by ClinVar (database versions not stated): gnomAD exomes below 0.00001.
gnomAD v4.1: 1 of 1,613,582 alleles (0.000062%); highest among the groups gnomAD compares: Admixed American, 0.0017%; no homozygotes.

Submission:

PreventionGenetics, part of Exact Sciences
Classification: Likely benign for KAT2B-related condition. Last evaluated: 2021-03-25. Review status: no assertion criteria provided. Collection method: clinical testing. Allele origin: germline.
Comment: This variant is classified as likely benign based on ACMG/AMP sequence variant interpretation guidelines (Richards et al. 2015 PMID: 25741868, with internal and published modifications).